The following is an entry in ClinVar:

NM_006796.3(AFG3L2):c.811A>G (p.Ile271Val)

Gene: AFG3L2 (AFG3 like matrix AAA peptidase subunit 2; minus strand). Cytogenetic location: 18p11.21.
Variant type: single nucleotide variant.
Coding change: c.811A>G on transcript NM_006796.3 (MANE Select); coding-DNA position 811, A replaced by G.
Protein change: p.Ile271Val; replaces isoleucine 271 with valine.
Molecular consequence: missense variant.
Genome position (GRCh38, 1-based): chr18:12,358,885, T>C on the plus strand (A>G on the coding strand, the complement: AFG3L2 is on the minus strand). VCF-style: chr18-12358885-T-C. GRCh37 (hg19) VCF-style: chr18-12358884-T-C.
Other names: c.811A>G (NM_006796.2); short protein forms I271V.
Identifiers: ClinVar variation 1298730 (VCV001298730.39), dbSNP rs781266429, ClinGen allele CA8896648.

ClinVar aggregate classification (germline): Uncertain significance. Review status: criteria provided, multiple submitters, no conflicts (2 of 4 stars). 3 submissions from 3 submitters: Uncertain significance (3). Last evaluated 2025-08-10.

Conditions:
Inborn genetic diseases. Identifiers: MedGen C0950123, MeSH D030342.

Allele frequency attached by ClinVar (database versions not stated): gnomAD 0.00001; ExAC 0.00002; gnomAD exomes 0.00002; TOPMed 0.00003.
gnomAD v4.1: 29 of 1,614,096 alleles (0.0018%); highest among the groups gnomAD compares: Non-Finnish European, 0.0025%; no homozygotes.

Submissions (3):

Ambry Genetics
Classification: Uncertain significance for Inborn genetic diseases. Last evaluated: 2025-08-10. Review status: criteria provided, single submitter. Criteria: Ambry Variant Classification Scheme 2023. Collection method: clinical testing. Allele origin: germline.

CeGaT Center for Human Genetics Tuebingen
Classification: Uncertain significance. Last evaluated: 2022-11-01. Review status: criteria provided, single submitter. Criteria: CeGaT Center For Human Genetics Tuebingen Variant Classification Criteria Version 2. Collection method: clinical testing. Allele origin: germline. Affected: yes. Observed: 2 variant alleles.
Comment: AFG3L2: PM2

Labcorp Genetics (formerly Invitae), Labcorp
Classification: Uncertain significance. Last evaluated: 2022-08-28. Review status: criteria provided, single submitter. Criteria: Invitae Variant Classification Sherloc (09022015). Collection method: clinical testing. Allele origin: germline.
Comment: This sequence change replaces isoleucine, which is neutral and non-polar, with valine, which is neutral and non-polar, at codon 271 of the AFG3L2 protein (p.Ile271Val). This variant is present in population databases (rs781266429, gnomAD 0.004%). This variant has not been reported in the literature in individuals affected with AFG3L2-related conditions. ClinVar contains an entry for this variant (Variation ID: 1298730). Advanced modeling of protein sequence and biophysical properties (such as structural, functional, and spatial information, amino acid conservation, physicochemical variation, residue mobility, and thermodynamic stability) performed at Invitae indicates that this missense variant is not expected to disrupt AFG3L2 protein function. In summary, the available evidence is currently insufficient to determine the role of this variant in disease. Therefore, it has been classified as a Variant of Uncertain Significance.